The following is an entry in ClinVar:

ClinVar aggregate classification (germline): Conflicting classifications of pathogenicity. Review status: criteria provided, conflicting classifications (1 of 4 stars). 4 submissions from 4 submitters: Uncertain significance (1); Likely benign (2). 1 of the submissions does not count toward it. Last evaluated 2024-11-18.

Conditions:
Hereditary spastic paraplegia 6 (SPG6). Also called: SPASTIC PARAPLEGIA 6, AUTOSOMAL DOMINANT. Identifiers: Orphanet 100988, MedGen C1838192, MONDO:0010878, OMIM 600363.
NIPA1-related disorder. Also called: NIPA1-related condition.

Allele frequency attached by ClinVar (database versions not stated): TOPMed 0.00001; gnomAD 0.00013; 1000 Genomes Project 30x 0.00016; 1000 Genomes Project 0.00020.
gnomAD v4.1: 50 of 1,614,124 alleles (0.0031%); highest among the groups gnomAD compares: African/African-American, 0.041%; 1 homozygote.

Submissions (4):

Labcorp Genetics (formerly Invitae), Labcorp
Classification: Likely benign for Hereditary spastic paraplegia 6. Last evaluated: 2024-11-18. Review status: criteria provided, single submitter. Criteria: Invitae Variant Classification Sherloc (09022015). Collection method: clinical testing. Allele origin: germline.

CeGaT Center for Human Genetics Tuebingen
Classification: Likely benign. Last evaluated: 2023-01-01. Review status: criteria provided, single submitter. Criteria: CeGaT Center For Human Genetics Tuebingen Variant Classification Criteria Version 2. Collection method: clinical testing. Allele origin: germline. Affected: yes. Observed: 1 variant allele.
Comment: NIPA1: BP4, BP7

Illumina Laboratory Services, Illumina
Classification: Uncertain significance for Hereditary spastic paraplegia 6. Last evaluated: 2018-01-13. Review status: criteria provided, single submitter. Criteria: ICSL Variant Classification Criteria 13 December 2019. Collection method: clinical testing. Allele origin: germline.

PreventionGenetics, part of Exact Sciences
Classification: Likely benign for NIPA1-related condition. Last evaluated: 2019-03-12. Review status: no assertion criteria provided. Collection method: clinical testing. Allele origin: germline. Not counted in ClinVar's aggregate classification.
Comment: This variant is classified as likely benign based on ACMG/AMP sequence variant interpretation guidelines (Richards et al. 2015 PMID: 25741868, with internal and published modifications).

NM_144599.5(NIPA1):c.753G>C (p.Ala251=)

Gene: NIPA1 (NIPA magnesium transporter 1; plus strand). Cytogenetic location: 15q11.2.
Variant type: single nucleotide variant.
Coding change: c.753G>C on transcript NM_144599.5 (MANE Select); coding-DNA position 753, G replaced by C.
Protein change: p.Ala251=; no amino-acid change (alanine 251 retained).
Molecular consequence: synonymous variant.
Genome position (GRCh38, 1-based): chr15:22,824,002, G>C. VCF-style: chr15-22824002-G-C. GRCh37 (hg19) VCF-style: chr15-23049066-C-G.
Other names: c.528G>C, p.Ala176= (NM_001142275.1).
Identifiers: ClinVar variation 315423 (VCV000315423.37), dbSNP rs199718530, ClinGen allele CA7426005.